The following is an entry in ClinVar:

ClinVar aggregate classification (germline): Pathogenic (1 of 4 stars; one submission).

Submission:

Labcorp Genetics (formerly Invitae), Labcorp
Classification: Pathogenic. Last evaluated: 2025-04-21. Review status: criteria provided, single submitter. Criteria: Invitae Variant Classification Sherloc (09022015). Collection method: clinical testing. Allele origin: germline.
Comment: This sequence change creates a premature translational stop signal (p.Gly336Valfs*22) in the FZD4 gene. While this is not anticipated to result in nonsense mediated decay, it is expected to disrupt the last 202 amino acid(s) of the FZD4 protein. This variant is not present in population databases (gnomAD no frequency). This variant has not been reported in the literature in individuals affected with FZD4-related conditions. This variant disrupts a region of the FZD4 protein in which other variant(s) (p.Gln505*) have been determined to be pathogenic (PMID: 15223780). This suggests that this is a clinically significant region of the protein, and that variants that disrupt it are likely to be disease-causing. For these reasons, this variant has been classified as Pathogenic.

Literature cited by the submitters: PubMed 15223780.

NM_012193.4(FZD4):c.1007del (p.Gly336fs)

Genes: FZD4 (frizzled class receptor 4; minus strand), PRSS23 (serine protease 23; plus strand). Cytogenetic location: 11q14.2.
Variant type: Deletion.
Coding change: c.1007del on transcript NM_012193.4 (MANE Select); coding-DNA position 1007, one base deleted (G; older notation c.1007delG).
Protein change: p.Gly336fs; shifts the reading frame from glycine 336.
Molecular consequence: frameshift variant. On other transcripts: non-coding transcript variant (2).
Genome position (GRCh38, 1-based): chr11:86,951,749, C deleted on the plus strand (G on the coding strand, the reverse complement: FZD4 is on the minus strand); the first of 4 consecutive C bases (chr11:86,951,749-86,951,752); deleting any one gives the same sequence. VCF-style (leftmost placement, unchanged base first): chr11-86951748-AC-A. GRCh37 (hg19) VCF-style: chr11-86662790-AC-A.
Other names: short protein forms G336fs.
Identifiers: ClinVar variation 4716575 (VCV004716575.1).